The following is an entry in ClinVar:

NM_005557.4(KRT16):c.557C>T (p.Ala186Val)

Gene: KRT16 (keratin 16; minus strand). Cytogenetic location: 17q21.2.
Variant type: single nucleotide variant.
Coding change: c.557C>T on transcript NM_005557.4 (MANE Select); coding-DNA position 557, C replaced by T.
Protein change: p.Ala186Val; replaces alanine 186 with valine.
Molecular consequence: missense variant.
Genome position (GRCh38, 1-based): chr17:41,611,696, G>A on the plus strand (C>T on the coding strand, the complement: KRT16 is on the minus strand). VCF-style: chr17-41611696-G-A. GRCh37 (hg19) VCF-style: chr17-39767948-G-A.
Other names: short protein forms A186V.
Identifiers: ClinVar variation 4750227 (VCV004750227.1).

ClinVar aggregate classification (germline): Uncertain significance (1 of 4 stars; one submission).

gnomAD v4.1: 69 of 1,611,040 alleles (0.0043%); highest among the groups gnomAD compares: Admixed American, 0.047%; no homozygotes.

Submission:

Labcorp Genetics (formerly Invitae), Labcorp
Classification: Uncertain significance. Last evaluated: 2025-10-04. Review status: criteria provided, single submitter. Criteria: Invitae Variant Classification Sherloc (09022015). Collection method: clinical testing. Allele origin: germline.
Comment: This sequence change replaces alanine, which is neutral and non-polar, with valine, which is neutral and non-polar, at codon 186 of the KRT16 protein (p.Ala186Val). This variant is present in population databases (rs547733077, gnomAD 0.02%). This variant has not been reported in the literature in individuals affected with KRT16-related conditions. Invitae Evidence Modeling of protein sequence and biophysical properties (such as structural, functional, and spatial information, amino acid conservation, physicochemical variation, residue mobility, and thermodynamic stability) indicates that this missense variant is not expected to disrupt KRT16 protein function with a negative predictive value of 95%. In summary, the available evidence is currently insufficient to determine the role of this variant in disease. Therefore, it has been classified as a Variant of Uncertain Significance.